The following is an entry in ClinVar:

ClinVar aggregate classification (germline): Benign/Likely benign. Review status: criteria provided, multiple submitters, no conflicts (2 of 4 stars). 4 submissions from 4 submitters: Benign (1); Likely benign (3). Last evaluated 2025-12-15.

Conditions:
Hereditary cancer-predisposing syndrome. Also called: Hereditary neoplastic syndrome; Tumor predisposition; Neoplastic Syndromes, Hereditary; Hereditary Cancer Syndrome. Identifiers: Orphanet 140162, MedGen C0027672, MeSH D009386, MONDO:0015356.
Familial cancer of breast. Also called: Hereditary breast cancer; BREAST CANCER, FAMILIAL; hereditary breast carcinoma. Identifiers: Orphanet 227535, MedGen C0346153, MONDO:0016419, OMIM 114480. Disease mechanism: loss of function.

Submissions (4):

Labcorp Genetics (formerly Invitae), Labcorp
Classification: Likely benign for Familial cancer of breast. Last evaluated: 2025-12-15. Review status: criteria provided, single submitter. Criteria: Invitae Variant Classification Sherloc (09022015). Collection method: clinical testing. Allele origin: germline.

Myriad Genetics, Inc.
Classification: Benign for Familial cancer of breast. Last evaluated: 2025-01-16. Review status: criteria provided, single submitter. Criteria: Myriad Autosomal Dominant, Autosomal Recessive and X-Linked Classification Criteria (2023). Collection method: clinical testing. Allele origin: unknown.
Comment: This variant is considered benign. This variant is intronic and is not expected to impact mRNA splicing.

GeneDx
Classification: Likely benign. Last evaluated: 2017-10-24. Review status: criteria provided, single submitter. Criteria: GeneDx Variant Classification (06012015). Collection method: clinical testing. Allele origin: germline. Affected: yes.
Comment: This variant is considered likely benign or benign based on one or more of the following criteria: it is a conservative change, it occurs at a poorly conserved position in the protein, it is predicted to be benign by multiple in silico algorithms, and/or has population frequency not consistent with disease.

Color Diagnostics, LLC DBA Color Health
Classification: Likely benign for Hereditary cancer-predisposing syndrome. Last evaluated: 2017-09-22. Review status: criteria provided, single submitter. Criteria: ACMG Guidelines, 2015. Collection method: clinical testing. Allele origin: germline.

NM_024675.4(PALB2):c.2515-21_2515-19del

Gene: PALB2 (partner and localizer of BRCA2; minus strand). Cytogenetic location: 16p12.2.
Variant type: Microsatellite.
Coding change: c.2515-21_2515-19del on transcript NM_024675.4 (MANE Select); 21 bases into the intron before coding-DNA position 2515 through 19 bases into the intron before coding-DNA position 2515, 3 bases deleted (ATG; older notation c.2515-21_2515-19delATG).
Molecular consequence: intron variant.
Genome position (GRCh38, 1-based): chr16:23,629,294-23,629,296, CAT deleted on the plus strand (ATG on the coding strand, the reverse complement: PALB2 is on the minus strand); deleting any 3 consecutive bases within chr16:23,629,294-23,629,299 gives the same sequence; the c. name uses the placement nearest the transcript's 3' end. VCF-style (leftmost placement, unchanged base first): chr16-23629293-ACAT-A. GRCh37 (hg19) VCF-style: chr16-23640614-ACAT-A.
Other names: c.2515-21_2515-19delATG (NM_024675.3).
Identifiers: ClinVar variation 420492 (VCV000420492.11), dbSNP rs1064794514, ClinGen allele CA16620131.